The following is an entry in ClinVar:

ClinVar aggregate classification (germline): Uncertain significance (1 of 4 stars; one submission).

Conditions:
Hereditary cancer-predisposing syndrome. Also called: Neoplastic Syndromes, Hereditary; Tumor predisposition; Hereditary Cancer Syndrome; Hereditary neoplastic syndrome. Identifiers: Orphanet 140162, MedGen C0027672, MeSH D009386, MONDO:0015356.

gnomAD v4.1: 1 of 1,606,926 alleles (0.000062%); highest among the groups gnomAD compares: South Asian, 0.0011%; no homozygotes.

Submission:

Ambry Genetics
Classification: Uncertain significance for Hereditary cancer-predisposing syndrome. Last evaluated: 2025-10-13. Review status: criteria provided, single submitter. Criteria: Ambry Variant Classification Scheme 2023. Collection method: clinical testing. Allele origin: germline.
Comment: The p.M49I variant (also known as c.147G>T), located in coding exon 1 of the AXIN2 gene, results from a G to T substitution at nucleotide position 147. The methionine at codon 49 is replaced by isoleucine, an amino acid with highly similar properties. This amino acid position is conserved. In addition, this alteration is predicted to be tolerated by in silico analysis. Based on the available evidence, the clinical significance of this variant remains unclear.

NM_004655.4(AXIN2):c.147G>T (p.Met49Ile)

Gene: AXIN2 (axin 2; minus strand). Cytogenetic location: 17q24.1.
Variant type: single nucleotide variant.
Coding change: c.147G>T on transcript NM_004655.4 (MANE Select); coding-DNA position 147, G replaced by T.
Protein change: p.Met49Ile; replaces methionine 49 with isoleucine.
Molecular consequence: missense variant.
Genome position (GRCh38, 1-based): chr17:65,558,474, C>A on the plus strand (G>T on the coding strand, the complement: AXIN2 is on the minus strand). VCF-style: chr17-65558474-C-A. GRCh37 (hg19) VCF-style: chr17-63554592-C-A.
Other names: c.147G>T, p.Met49Ile (NM_001363813.1); short protein forms M49I.
Identifiers: ClinVar variation 4619641 (VCV004619641.1).